The following is an entry in ClinVar:

ClinVar aggregate classification (germline): Uncertain significance. Review status: criteria provided, multiple submitters, no conflicts (2 of 4 stars). 4 submissions from 4 submitters: Uncertain significance (4). Last evaluated 2025-06-10.

Conditions:
Inborn genetic diseases. Identifiers: MedGen C0950123, MeSH D030342.
Vici syndrome (VICIS). Identifiers: Orphanet 1493, MedGen C1855772, MONDO:0009452, OMIM 242840.

Allele frequency attached by ClinVar (database versions not stated): ExAC 0.00002; gnomAD 0.00004; gnomAD exomes 0.00004; TOPMed 0.00004; ESP Exome Variant Server 0.00008.
gnomAD v4.1: 61 of 1,601,640 alleles (0.0038%); highest among the groups gnomAD compares: South Asian, 0.0044%; no homozygotes.

Submissions (4):

Ambry Genetics
Classification: Uncertain significance for Inborn genetic diseases. Last evaluated: 2025-06-10. Review status: criteria provided, single submitter. Criteria: Ambry Variant Classification Scheme 2023. Collection method: clinical testing. Allele origin: germline.

Next Generation Genetic Polyclinic
Classification: Uncertain significance for Vici syndrome. Last evaluated: 2025-04-26. Review status: criteria provided, single submitter. Criteria: ACMG Guidelines, 2015. Collection method: curation. Allele origin: germline. Affected: yes. Observed: 1 variant allele.
Comment: A novel missense variant in the EPG5 gene (c.5057G>A) was detected by curation in a homozygous state. It is absent from population databases and classified as Uncertain Significance.

GeneDx
Classification: Uncertain significance. Last evaluated: 2022-09-29. Review status: criteria provided, single submitter. Criteria: GeneDx Variant Classification Process June 2021. Collection method: clinical testing. Allele origin: germline. Affected: yes.
Comment: Not observed at significant frequency in large population cohorts (gnomAD); In silico analysis supports that this missense variant does not alter protein structure/function; Has not been previously published as pathogenic or benign to our knowledge

Labcorp Genetics (formerly Invitae), Labcorp
Classification: Uncertain significance for Vici syndrome. Last evaluated: 2022-09-27. Review status: criteria provided, single submitter. Criteria: Invitae Variant Classification Sherloc (09022015). Collection method: clinical testing. Allele origin: germline.
Comment: This sequence change replaces arginine, which is basic and polar, with histidine, which is basic and polar, at codon 1686 of the EPG5 protein (p.Arg1686His). This variant is present in population databases (rs375463159, gnomAD 0.007%). This variant has not been reported in the literature in individuals affected with EPG5-related conditions. ClinVar contains an entry for this variant (Variation ID: 1415338). Advanced modeling of protein sequence and biophysical properties (such as structural, functional, and spatial information, amino acid conservation, physicochemical variation, residue mobility, and thermodynamic stability) performed at Invitae indicates that this missense variant is expected to disrupt EPG5 protein function. In summary, the available evidence is currently insufficient to determine the role of this variant in disease. Therefore, it has been classified as a Variant of Uncertain Significance.

NM_020964.3(EPG5):c.5057G>A (p.Arg1686His)

Gene: EPG5 (ectopic P-granules 5 autophagy tethering factor; minus strand). Cytogenetic location: 18q12.3.
Variant type: single nucleotide variant.
Coding change: c.5057G>A on transcript NM_020964.3 (MANE Select); coding-DNA position 5057, G replaced by A.
Protein change: p.Arg1686His; replaces arginine 1686 with histidine.
Molecular consequence: missense variant.
Genome position (GRCh38, 1-based): chr18:45,887,803, C>T on the plus strand (G>A on the coding strand, the complement: EPG5 is on the minus strand). VCF-style: chr18-45887803-C-T. GRCh37 (hg19) VCF-style: chr18-43467768-C-T.
Other names: short protein forms R1686H.
Identifiers: ClinVar variation 1415338 (VCV001415338.7), dbSNP rs375463159, ClinGen allele CA8948685.
Genomic context (GRCh38, chr18:45,887,803, plus strand): 5'-AGCCTTACCTGTCCCAAGATCTCAATACATGAAGTAAAGAACTGCCTTGTTGGGGGATGA[C>T]GCTGCGTCTCATCGCTGACGTAATCCACAATAGTAAAGAAAAGGCTAATGCCAACTTTCT-3'
Protein context (NP_066015.2, residues 1676-1696): IVDYVSDETQ[Arg1686His]HPPTRQFFTS